The following is an entry in ClinVar:

NM_001291867.2(NHS):c.2301A>G (p.Pro767=)

Gene: NHS (NHS actin remodeling regulator; plus strand). Cytogenetic location: Xp22.13.
Variant type: single nucleotide variant.
Coding change: c.2301A>G on transcript NM_001291867.2 (MANE Select); coding-DNA position 2301, A replaced by G.
Protein change: p.Pro767=; no amino-acid change (proline 767 retained).
Molecular consequence: synonymous variant.
Genome position (GRCh38, 1-based): chrX:17,726,407, A>G. VCF-style: chrX-17726407-A-G. GRCh37 (hg19) VCF-style: chrX-17744527-A-G.
Other names: c.1770A>G, p.Pro590= (NM_001136024.4); c.1707A>G, p.Pro569= (NM_001291868.2); c.1962A>G, p.Pro654= (NM_001440780.1); c.2238A>G, p.Pro746= (NM_198270.4).
Identifiers: ClinVar variation 4980339 (VCV004980339.1).

ClinVar aggregate classification (germline): Likely benign (1 of 4 stars; one submission).

Conditions:
NHS-related disorder. Also called: NHS-related condition.

Submission:

PreventionGenetics, part of Exact Sciences
Classification: Likely benign for NHS-related condition. Last evaluated: 2026-04-10. Review status: criteria provided, single submitter. Criteria: ACMG Guidelines, 2015. Collection method: clinical testing. Allele origin: germline.
Comment: This variant is classified as likely benign based on ACMG/AMP sequence variant interpretation guidelines (Richards et al. 2015 PMID: 25741868, with internal and published modifications).